The following is an entry in ClinVar:

ClinVar aggregate classification (germline): Uncertain significance. Review status: criteria provided, multiple submitters, no conflicts (2 of 4 stars). 2 submissions from 2 submitters: Uncertain significance (2). Last evaluated 2025-06-23.

Conditions:
Malignant hyperthermia, susceptibility to, 5 (MHS5). Also called: CACNA1S-Related Malignant Hyperthermia Susceptibility. Identifiers: Orphanet 423, MedGen C1866077, MONDO:0011163, OMIM 601887.
Hypokalemic periodic paralysis, type 1. Also called: Hypokalemic Periodic Paralysis Type 1 (AD); HypoPP. Identifiers: Orphanet 681, MedGen C3714580, MONDO:0042979, OMIM 170400.

Allele frequency attached by ClinVar (database versions not stated): TOPMed below 0.00001.

Submissions (2):

Color Diagnostics, LLC DBA Color Health
Classification: Uncertain significance for Malignant hyperthermia, susceptibility to, 5. Last evaluated: 2025-06-23. Review status: criteria provided, single submitter. Criteria: ACMG Guidelines, 2015. Collection method: clinical testing. Allele origin: germline.
Comment: This missense variant replaces aspartic acid with asparagine at codon 825 of the CACNA1S protein. Computational prediction suggests that this variant may not impact protein structure and function. To our knowledge, functional studies have not been reported for this variant. This variant has not been reported in individuals affected with CACNA1S-related disorders in the literature. This variant has not been identified in the general population by the Genome Aggregation Database (gnomAD). The available evidence is insufficient to determine the role of this variant in disease conclusively. Therefore, this variant is classified as a Variant of Uncertain Significance.

Labcorp Genetics (formerly Invitae), Labcorp
Classification: Uncertain significance for Hypokalemic periodic paralysis, type 1; Malignant hyperthermia, susceptibility to, 5. Last evaluated: 2022-04-16. Review status: criteria provided, single submitter. Criteria: Invitae Variant Classification Sherloc (09022015). Collection method: clinical testing. Allele origin: germline.
Comment: In summary, the available evidence is currently insufficient to determine the role of this variant in disease. Therefore, it has been classified as a Variant of Uncertain Significance. This sequence change replaces aspartic acid, which is acidic and polar, with asparagine, which is neutral and polar, at codon 825 of the CACNA1S protein (p.Asp825Asn). This variant is not present in population databases (gnomAD no frequency). This variant has not been reported in the literature in individuals affected with CACNA1S-related conditions. Advanced modeling of protein sequence and biophysical properties (such as structural, functional, and spatial information, amino acid conservation, physicochemical variation, residue mobility, and thermodynamic stability) performed at Invitae indicates that this missense variant is not expected to disrupt CACNA1S protein function.

NM_000069.3(CACNA1S):c.2473G>A (p.Asp825Asn)

Gene: CACNA1S (calcium voltage-gated channel subunit alpha1 S; minus strand). Cytogenetic location: 1q32.1.
Variant type: single nucleotide variant.
Coding change: c.2473G>A on transcript NM_000069.3 (MANE Select); coding-DNA position 2473, G replaced by A.
Protein change: p.Asp825Asn; replaces aspartic acid 825 with asparagine.
Molecular consequence: missense variant.
Genome position (GRCh38, 1-based): chr1:201,069,489, C>T on the plus strand (G>A on the coding strand, the complement: CACNA1S is on the minus strand). VCF-style: chr1-201069489-C-T. GRCh37 (hg19) VCF-style: chr1-201038617-C-T.
Other names: short protein forms D825N.
Identifiers: ClinVar variation 2089041 (VCV002089041.4), dbSNP rs1661373439, ClinGen allele CA344106586.